The following is an entry in ClinVar:

ClinVar aggregate classification (germline): Uncertain significance (1 of 4 stars; one submission).

Conditions:
Walker-Warburg congenital muscular dystrophy. Also called: Muscular dystrophy-dystroglycanopathy, type A; Walker-Warburg syndrome. Identifiers: Orphanet 899, MedGen C0265221, MONDO:0000171.
Muscular dystrophy-dystroglycanopathy (congenital with impaired intellectual development), type B, 1. Also called: MUSCULAR DYSTROPHY, CONGENITAL, POMT1-RELATED; Muscular dystrophy-dystroglycanopathy (congenital with intellectual disability), type B1. Identifiers: MedGen C5436962, MONDO:0013159, OMIM 613155.
Autosomal recessive limb-girdle muscular dystrophy type 2K. Also called: MUSCULAR DYSTROPHY-DYSTROGLYCANOPATHY (LIMB-GIRDLE), TYPE C, 1; MUSCULAR DYSTROPHY, LIMB-GIRDLE, TYPE 2K. Identifiers: Orphanet 86812, MedGen C1836373, MONDO:0012248, OMIM 609308.

Allele frequency attached by ClinVar (database versions not stated): TOPMed below 0.00001.
gnomAD v4.1: 1 of 1,614,174 alleles (0.000062%); no homozygotes.

Submission:

Labcorp Genetics (formerly Invitae), Labcorp
Classification: Uncertain significance for Muscular dystrophy-dystroglycanopathy (congenital with impaired intellectual development), type B, 1; Walker-Warburg congenital muscular dystrophy; Autosomal recessive limb-girdle muscular dystrophy type 2K. Last evaluated: 2022-07-30. Review status: criteria provided, single submitter. Criteria: Invitae Variant Classification Sherloc (09022015). Collection method: clinical testing. Allele origin: germline.
Comment: This sequence change replaces leucine, which is neutral and non-polar, with arginine, which is basic and polar, at codon 594 of the POMT1 protein (p.Leu594Arg). This variant is not present in population databases (gnomAD no frequency). This variant has not been reported in the literature in individuals affected with POMT1-related conditions. Algorithms developed to predict the effect of missense changes on protein structure and function (SIFT, PolyPhen-2, Align-GVGD) all suggest that this variant is likely to be disruptive. In summary, the available evidence is currently insufficient to determine the role of this variant in disease. Therefore, it has been classified as a Variant of Uncertain Significance.

NM_001077365.2(POMT1):c.1715T>G (p.Leu572Arg)

Gene: POMT1 (protein O-mannosyltransferase 1; plus strand). Cytogenetic location: 9q34.13.
Variant type: single nucleotide variant.
Coding change: c.1715T>G on transcript NM_001077365.2 (MANE Select); coding-DNA position 1715, T replaced by G.
Protein change: p.Leu572Arg; replaces leucine 572 with arginine.
Molecular consequence: missense variant. On other transcripts: non-coding transcript variant (10).
Genome position (GRCh38, 1-based): chr9:131,521,362, T>G. VCF-style: chr9-131521362-T-G. GRCh37 (hg19) VCF-style: chr9-134396749-T-G.
Other names: c.1553T>G, p.Leu518Arg (NM_001077366.2, NM_001353194.2); c.1715T>G, p.Leu572Arg (NM_001136113.2); c.1364T>G, p.Leu455Arg (NM_001136114.2, NM_001353195.2, NM_001374691.1 and 2 more transcripts); c.1781T>G, p.Leu594Arg (NM_001353193.2, NM_007171.4); c.1625T>G, p.Leu542Arg (NM_001353196.2); c.1619T>G, p.Leu540Arg (NM_001353197.2, NM_001353198.2); c.1430T>G, p.Leu477Arg (NM_001353199.2); c.1259T>G, p.Leu420Arg (NM_001353200.2); and 4 more; short protein forms L195R, L420R, L455R, L542R, L568R, L594R, L518R, L572R.
Identifiers: ClinVar variation 1939082 (VCV001939082.2), dbSNP rs1949877834, ClinGen allele CA375313628.